The following is an entry in ClinVar:

NM_000051.4(ATM):c.8483A>G (p.Gln2828Arg)

Genes: ATM (ATM serine/threonine kinase; plus strand), C11orf65 (chromosome 11 open reading frame 65; minus strand). Cytogenetic location: 11q22.3.
Variant type: single nucleotide variant.
Coding change: c.8483A>G on transcript NM_000051.4 (MANE Select); coding-DNA position 8483, A replaced by G.
Protein change: p.Gln2828Arg; replaces glutamine 2828 with arginine.
Molecular consequence: missense variant. On other transcripts: intron variant (2).
Genome position (GRCh38, 1-based): chr11:108,345,807, A>G. VCF-style: chr11-108345807-A-G. GRCh37 (hg19) VCF-style: chr11-108216534-A-G.
Other names: c.695-10515T>C (NM_001351110.2); c.8483A>G, p.Gln2828Arg (NM_001351834.2); c.641-36736T>C (NM_001330368.2); short protein forms Q2828R.
Identifiers: ClinVar variation 631217 (VCV000631217.10), dbSNP rs1565563564, ClinGen allele CA382518061.

ClinVar aggregate classification (germline): Uncertain significance. Review status: criteria provided, multiple submitters, no conflicts (2 of 4 stars). 4 submissions from 4 submitters: Uncertain significance (4). Last evaluated 2025-02-14.

Conditions:
Ataxia-telangiectasia syndrome (AT). Also called: Ataxia-telangiectasia, complementation group D; AT, COMPLEMENTATION GROUP C; ATAXIA-TELANGIECTASIA, COMPLEMENTATION GROUP A; ATAXIA-TELANGIECTASIA, FRESNO VARIANT; Ataxia-telangiectasia; LOUIS-BAR SYNDROME. Identifiers: Orphanet 100, MedGen C0004135, MONDO:0008840, OMIM 208900.
Hereditary cancer-predisposing syndrome. Also called: Tumor predisposition; Hereditary neoplastic syndrome; Neoplastic Syndromes, Hereditary; Hereditary Cancer Syndrome. Identifiers: Orphanet 140162, MedGen C0027672, MeSH D009386, MONDO:0015356.

Submissions (4):

Ambry Genetics
Classification: Uncertain significance for Hereditary cancer-predisposing syndrome. Last evaluated: 2025-02-14. Review status: criteria provided, single submitter. Criteria: Ambry Variant Classification Scheme 2023. Collection method: clinical testing. Allele origin: germline.
Comment: The p.Q2828R variant (also known as c.8483A>G), located in coding exon 57 of the ATM gene, results from an A to G substitution at nucleotide position 8483. The glutamine at codon 2828 is replaced by arginine, an amino acid with highly similar properties. This amino acid position is conserved. In addition, this alteration is predicted to be tolerated by in silico analysis. Based on the available evidence, the clinical significance of this variant remains unclear.

Labcorp Genetics (formerly Invitae), Labcorp
Classification: Uncertain significance for Ataxia-telangiectasia syndrome. Last evaluated: 2024-10-03. Review status: criteria provided, single submitter. Criteria: Invitae Variant Classification Sherloc (09022015). Collection method: clinical testing. Allele origin: germline.
Comment: This sequence change replaces glutamine, which is neutral and polar, with arginine, which is basic and polar, at codon 2828 of the ATM protein (p.Gln2828Arg). This variant is not present in population databases (gnomAD no frequency). This variant has not been reported in the literature in individuals affected with ATM-related conditions. ClinVar contains an entry for this variant (Variation ID: 631217). Invitae Evidence Modeling of protein sequence and biophysical properties (such as structural, functional, and spatial information, amino acid conservation, physicochemical variation, residue mobility, and thermodynamic stability) indicates that this missense variant is not expected to disrupt ATM protein function with a negative predictive value of 95%. In summary, the available evidence is currently insufficient to determine the role of this variant in disease. Therefore, it has been classified as a Variant of Uncertain Significance.

Color Diagnostics, LLC DBA Color Health
Classification: Uncertain significance for Hereditary cancer-predisposing syndrome. Last evaluated: 2023-12-05. Review status: criteria provided, single submitter. Criteria: ACMG Guidelines, 2015. Collection method: clinical testing. Allele origin: germline.
Comment: This missense variant replaces glutamine with arginine at codon 2828 of the ATM protein. Computational prediction suggests that this variant may not impact protein structure and function (internally defined REVEL score threshold <= 0.5, PMID: 27666373). To our knowledge, functional studies have not been reported for this variant. This variant has not been reported in individuals affected with ATM-related disorders in the literature. This variant has not been identified in the general population by the Genome Aggregation Database (gnomAD). The available evidence is insufficient to determine the role of this variant in disease conclusively. Therefore, this variant is classified as a Variant of Uncertain Significance.

GeneDx
Classification: Uncertain significance. Last evaluated: 2023-05-03. Review status: criteria provided, single submitter. Criteria: GeneDx Variant Classification Process June 2021. Collection method: clinical testing. Allele origin: germline. Affected: yes.
Comment: Not observed at significant frequency in large population cohorts (gnomAD); In silico analysis supports that this missense variant does not alter protein structure/function; Has not been previously published as pathogenic or benign to our knowledge; This variant is associated with the following publications: (PMID: 23532176)